The following is an entry in ClinVar:

NM_000536.4(RAG2):c.2T>C (p.Met1Thr)

Gene: RAG2 (recombination activating 2; minus strand). Cytogenetic location: 11p12.
Variant type: single nucleotide variant.
Coding change: c.2T>C on transcript NM_000536.4 (MANE Select); coding-DNA position 2, T replaced by C.
Protein change: p.Met1Thr; changes the start codon (methionine 1).
Molecular consequence: missense variant, initiator codon variant.
Genome position (GRCh38, 1-based): chr11:36,594,167, A>G on the plus strand (T>C on the coding strand, the complement: RAG2 is on the minus strand). VCF-style: chr11-36594167-A-G. GRCh37 (hg19) VCF-style: chr11-36615717-A-G.
Other names: NM_000536.4(RAG2):c.2T>C; p.Met1Thr; c.2T>C, p.Met1Thr (NM_001243785.2, NM_001243786.2); short protein forms M1T.
Identifiers: ClinVar variation 488726 (VCV000488726.7), dbSNP rs1554947410, ClinGen allele CA380145372.

ClinVar aggregate classification (germline): Uncertain significance. Review status: reviewed by expert panel (3 of 4 stars). 4 submissions from 4 submitters: Uncertain significance (1). 3 of the submissions do not count toward it. Last evaluated 2024-02-20.

Conditions:
Recombinase activating gene 2 deficiency. Also called: RAG2 deficiency. Identifiers: MedGen CN257931, MONDO:0000573.
Inborn error of immunity. Also called: Primary immunodeficiency; Inborn errors of immunity. Identifiers: Orphanet 101997, MedGen C0398686, MONDO:0003778.

Allele frequency attached by ClinVar (database versions not stated): gnomAD exomes below 0.00001.

Submissions (4):

ClinGen Severe Combined Immunodeficiency Variant Curation Expert Panel, ClinGen
Classification: Uncertain significance for Recombinase activating gene 2 deficiency. Last evaluated: 2024-02-20. Review status: reviewed by expert panel. Criteria: ClinGen SCID ACMG Specifications RAG2 V1.0.0. Collection method: curation. Allele origin: germline. Inheritance: Autosomal recessive inheritance.
Comment: NM_000536.4(RAG2):c.2T>C is a missense variant predicted to cause substitution of Methionine by Threonine at amino acid 1 (p.Met1Thr). The next possible initiation codon is at codon 5. This region does not contain known pathogenic/likely pathogenic variants (PVS1_Supporting). This missense variant is located in the core domain (amino acids 1-383) (PM1_supporting). The variant is absent in gnomAD v4 (PM2_supporting). To our knowledge, this variant has not been reported in the literature in individuals affected with RAG2 related conditions or in functional studies. In summary, this variant meets the criteria to be classified as a variant of uncertain significance for autosomal recessive severe combined immunodeficiency due to RAG2 deficiency based on the ACMG/AMP criteria applied, as specified by the ClinGen SCID VCEP: PVS1_Supporting, PM1_supporting, PM2_supporting (VCEP specifications version 1).

Myriad Genetics, Inc.
Classification: Uncertain significance for Recombinase activating gene 2 deficiency. Last evaluated: 2026-07-23. Review status: criteria provided, single submitter. Criteria: Myriad Autosomal Dominant, Autosomal Recessive and X-Linked Classification Criteria (2023). Collection method: clinical testing. Allele origin: unknown. Not counted in ClinVar's aggregate classification.
Comment: NM_001243785.1(RAG2):c.2T>C(M1?) is an initiation codon variant classified as a variant of uncertain significance in the context of severe combined immunodeficiency, RAG2-related. M1? has not been observed in cases with relevant disease. Relevant functional assessments of this variant are available in the literature (PMID: 29772310). M1? has not been observed in referenced population frequency databases. In summary, there is insufficient evidence to classify NM_001243785.1(RAG2):c.2T>C(M1?) as pathogenic or benign. Please note: this variant was assessed in the context of healthy population screening.

GeneDx
Classification: Pathogenic. Last evaluated: 2020-06-04. Review status: criteria provided, single submitter. Criteria: GeneDx Variant Classification Process June 2021. Collection method: clinical testing. Allele origin: germline. Affected: yes. Not counted in ClinVar's aggregate classification.
Comment: Initiation codon variant in a gene for which loss-of-function is a known mechanism of disease; Not observed in large population cohorts (Lek et al., 2016)

Pediatric Immunology Service, The Chaim Sheba Medical Center at Tel HaShomer
Classification: Likely pathogenic for RAG2 deficiency; Primary immunodeficiency. Last evaluated: 2018-03-06. Review status: criteria provided, single submitter. Criteria: ACMG Guidelines, 2015. Collection method: research. Allele origin: germline. Affected: yes. Not counted in ClinVar's aggregate classification.

Literature cited by the submitters: PubMed 29772310 (cited by Myriad Genetics, Inc.).